The following is an entry in ClinVar:

ClinVar aggregate classification (germline): Uncertain significance (1 of 4 stars; one submission).

Conditions:
Epidermolysis bullosa simplex 3, localized or generalized intermediate, with BP230 deficiency (EBS3). Also called: Epidermolysis bullosa simplex due to BP230 deficiency; Epidermolysis bullosa simplex, autosomal recessive 2. Identifiers: Orphanet 412181, MedGen C3809470, MONDO:0014180, OMIM 615425.
Hereditary sensory and autonomic neuropathy type 6. Also called: HSAN VI; Neuropathy, hereditary sensory and autonomic, type VI. Identifiers: Orphanet 314381, MedGen C3539003, MONDO:0013839, OMIM 614653.

Allele frequency attached by ClinVar (database versions not stated): gnomAD exomes below 0.00001; gnomAD 0.00001.
gnomAD v4.1: 26 of 1,614,036 alleles (0.0016%); highest among the groups gnomAD compares: Non-Finnish European, 0.0019%; no homozygotes.

Submission:

Labcorp Genetics (formerly Invitae), Labcorp
Classification: Uncertain significance for Epidermolysis bullosa simplex 3, localized or generalized intermediate, with BP230 deficiency; Hereditary sensory and autonomic neuropathy type 6. Last evaluated: 2022-02-24. Review status: criteria provided, single submitter. Criteria: Invitae Variant Classification Sherloc (09022015). Collection method: clinical testing. Allele origin: germline.
Comment: In summary, the available evidence is currently insufficient to determine the role of this variant in disease. Therefore, it has been classified as a Variant of Uncertain Significance. Algorithms developed to predict the effect of missense changes on protein structure and function are either unavailable or do not agree on the potential impact of this missense change (SIFT: "Deleterious"; PolyPhen-2: "Probably Damaging"; Align-GVGD: "Class C0"). ClinVar contains an entry for this variant (Variation ID: 568987). This variant has not been reported in the literature in individuals affected with DST-related conditions. This variant is present in population databases (rs750795372, gnomAD 0.002%). This sequence change replaces glycine, which is neutral and non-polar, with glutamic acid, which is acidic and polar, at codon 2526 of the DST protein (p.Gly2526Glu).

NM_001723.7(DST):c.7577G>A (p.Gly2526Glu)

Gene: DST (dystonin; minus strand). Cytogenetic location: 6p12.1.
Variant type: single nucleotide variant.
Coding change: c.7577G>A on transcript NM_001723.7 (MANE Plus Clinical); coding-DNA position 7577, G replaced by A.
Protein change: p.Gly2526Glu; replaces glycine 2526 with glutamic acid.
Molecular consequence: missense variant. On other transcripts: intron variant (10).
Genome position (GRCh38, 1-based): chr6:56,615,890, C>T on the plus strand (G>A on the coding strand, the complement: DST is on the minus strand). VCF-style: chr6-56615890-C-T. GRCh37 (hg19) VCF-style: chr6-56480688-C-T.
Other names: c.4831-1406G>A (NM_001144769.5); c.4930-1406G>A (NM_001374722.1, NM_001374736.1); c.4957-1406G>A (NM_001374734.1); c.4417-1406G>A (NM_001144770.2); c.4297-1406G>A (NM_001374730.1, NM_001386100.1, NM_183380.4 and 1 more transcripts); c.3319-1406G>A (NM_015548.5); short protein forms G2526E.
Identifiers: ClinVar variation 568987 (VCV000568987.8), dbSNP rs750795372, ClinGen allele CA139205133.